The following is an entry in ClinVar:

NM_000545.8(HNF1A):c.1623+16G>A

Gene: HNF1A (HNF1 homeobox A; plus strand). Cytogenetic location: 12q24.31.
Variant type: single nucleotide variant.
Coding change: c.1623+16G>A on transcript NM_000545.8 (MANE Select); 16 bases into the intron after coding-DNA position 1623, G replaced by A.
Molecular consequence: intron variant.
Genome position (GRCh38, 1-based): chr12:120,999,405, G>A. VCF-style: chr12-120999405-G-A. GRCh37 (hg19) VCF-style: chr12-121437208-G-A.
Other names: c.1623+16G>A (NM_001306179.2).
Identifiers: ClinVar variation 516045 (VCV000516045.2), dbSNP rs1555212572, ClinGen allele CA386972339.

ClinVar aggregate classification (germline): Benign/Likely benign. Review status: criteria provided, multiple submitters, no conflicts (2 of 4 stars). 2 submissions from 2 submitters: Benign (1); Likely benign (1). Last evaluated 2018-03-12.

Conditions:
Maturity-onset diabetes of the young (MODY). Also called: Maturity onset diabetes mellitus in young. Identifiers: Orphanet 552, MedGen C0342276, MONDO:0018911, HP:0004904.

Submissions (2):

GeneDx
Classification: Likely benign. Last evaluated: 2018-03-12. Review status: criteria provided, single submitter. Criteria: GeneDx Variant Classification (06012015). Collection method: clinical testing. Allele origin: germline. Affected: yes.
Comment: This variant is considered likely benign or benign based on one or more of the following criteria: it is a conservative change, it occurs at a poorly conserved position in the protein, it is predicted to be benign by multiple in silico algorithms, and/or has population frequency not consistent with disease.

Clinical Genomics, Uppaluri K&H Personalized Medicine Clinic
Classification: Benign for Maturity-onset diabetes of the young. Review status: criteria provided, single submitter. Criteria: K & H Uppaluri Personalized Medicine Clinic Variant Classification & Assertion Criteria_Updated V.1. Collection method: research. Allele origin: unknown. Inheritance: Autosomal dominant inheritance.
Comment: Mutations in HNF1A gene can predispose to MODY3. It is associated with both micro and macrovascular complications of diabetes, especially cardiovascular complications. Associated with glucosuria. May respond well to sulfonylureas. However, more evidence is required to confer the association of this particular variant rs1555212572 with MODY3.

Literature cited by the submitters: PubMed 31517624 (cited by Clinical Genomics, Uppaluri K&H Personalized Medicine Clinic); PubMed 32395877 (cited by Clinical Genomics, Uppaluri K&H Personalized Medicine Clinic); PubMed 35328643 (cited by Clinical Genomics, Uppaluri K&H Personalized Medicine Clinic); PubMed 35673428 (cited by Clinical Genomics, Uppaluri K&H Personalized Medicine Clinic).